The following is an entry in ClinVar:

NM_000090.4(COL3A1):c.3833G>A (p.Trp1278Ter)

Gene: COL3A1 (collagen type III alpha 1 chain; plus strand). Cytogenetic location: 2q32.2.
Variant type: single nucleotide variant.
Coding change: c.3833G>A on transcript NM_000090.4 (MANE Select); coding-DNA position 3833, G replaced by A.
Protein change: p.Trp1278Ter; replaces tryptophan 1278 with a stop codon.
Molecular consequence: nonsense.
Genome position (GRCh38, 1-based): chr2:189,010,187, G>A. VCF-style: chr2-189010187-G-A. GRCh37 (hg19) VCF-style: chr2-189874913-G-A.
Other names: short protein forms W1278*.
Identifiers: ClinVar variation 404267 (VCV000404267.7), dbSNP rs1060500187, ClinGen allele CA16610602.

ClinVar aggregate classification (germline): Pathogenic (1 of 4 stars; one submission).

Conditions:
Ehlers-Danlos syndrome, type 4 (EDSVASC). Also called: Ehlers-Danlos Syndrome Type IV; Ehlers-Danlos syndrome vascular type; Ehlers Danlos syndrome, ecchymotic type; Ehlers Danlos syndrome, arterial type; Ehlers Danlos syndrome, Sack-Barabas type. Identifiers: Orphanet 286, MedGen C0268338, MONDO:0017314, OMIM 130050.

Submission:

Labcorp Genetics (formerly Invitae), Labcorp
Classification: Pathogenic for Ehlers-Danlos syndrome, type 4. Last evaluated: 2016-12-11. Review status: criteria provided, single submitter. Criteria: Invitae Variant Classification Sherloc (09022015). Collection method: clinical testing. Allele origin: germline.
Comment: This sequence change creates a premature translational stop signal at codon 1278 (p.Trp1278*) of the COL3A1 gene. It is expected to result in an absent or disrupted protein product. While this particular variant has not been reported in the literature, loss-of-function variants in COL3A1 are known to be pathogenic (PMID: 24922459). For these reasons, this variant has been classified as Pathogenic.

Literature cited by the submitters: PubMed 24922459.